The following is an entry in ClinVar:

NM_000059.4(BRCA2):c.8169T>A (p.Asp2723Glu)

Gene: BRCA2 (BRCA2 DNA repair associated; plus strand). Cytogenetic location: 13q13.1.
Variant type: single nucleotide variant.
Coding change: c.8169T>A on transcript NM_000059.4 (MANE Select); coding-DNA position 8169, T replaced by A.
Protein change: p.Asp2723Glu; replaces aspartic acid 2723 with glutamic acid.
Molecular consequence: missense variant.
Genome position (GRCh38, 1-based): chr13:32,363,371, T>A. VCF-style: chr13-32363371-T-A. GRCh37 (hg19) VCF-style: chr13-32937508-T-A.
Other names: short protein forms D2723E.
Identifiers: ClinVar variation 409493 (VCV000409493.28), dbSNP rs1060502432, ClinGen allele CA16614371.

ClinVar aggregate classification (germline): Conflicting classifications of pathogenicity. Review status: criteria provided, conflicting classifications (1 of 4 stars). 8 submissions from 8 submitters: Pathogenic (1); Likely pathogenic (6); Uncertain significance (1). Last evaluated 2026-01-19.

Conditions:
Hereditary breast ovarian cancer syndrome. Also called: Hereditary breast and ovarian cancer syndrome; Hereditary breast and/or ovarian cancer syndrome; BRCA1- and BRCA2-Associated Hereditary Breast and Ovarian Cancer; Hereditary breast and ovarian cancer syndrome (HBOC); Hereditary breast and ovarian cancer; Breast and ovarian cancer. Identifiers: Orphanet 145, MedGen C0677776, MeSH D061325, MONDO:0003582. Disease mechanism: loss of function.
Familial cancer of breast. Also called: Hereditary breast cancer; hereditary breast carcinoma; BREAST CANCER, FAMILIAL. Identifiers: Orphanet 227535, MedGen C0346153, MONDO:0016419, OMIM 114480. Disease mechanism: loss of function.
Fanconi anemia complementation group D1. Also called: BRCA2-Related Fanconi Anemia. Identifiers: Orphanet 319462, MedGen C1838457, MONDO:0011584, OMIM 605724.
Hereditary cancer-predisposing syndrome. Also called: Hereditary neoplastic syndrome; Neoplastic Syndromes, Hereditary; Tumor predisposition; Hereditary Cancer Syndrome. Identifiers: Orphanet 140162, MedGen C0027672, MeSH D009386, MONDO:0015356.

Allele frequency attached by ClinVar (database versions not stated): gnomAD exomes below 0.00001.
gnomAD v4.1: 2 of 1,614,178 alleles (0.00012%); highest among the groups gnomAD compares: Non-Finnish European, 0.00017%; no homozygotes.

Submissions 1 to 7 of 8:

Labcorp Genetics (formerly Invitae), Labcorp
Classification: Likely pathogenic for Hereditary breast ovarian cancer syndrome. Last evaluated: 2026-01-19. Review status: criteria provided, single submitter. Criteria: Invitae Variant Classification Sherloc (09022015). Collection method: clinical testing. Allele origin: germline.
Comment: This sequence change replaces aspartic acid, which is acidic and polar, with glutamic acid, which is acidic and polar, at codon 2723 of the BRCA2 protein (p.Asp2723Glu). This variant is present in population databases (no rsID available, gnomAD 0.0009%). This missense change has been observed in individual(s) with prostate cancer (PMID: 31948886). ClinVar contains an entry for this variant (Variation ID: 409493). Invitae Evidence Modeling of protein sequence and biophysical properties (such as structural, functional, and spatial information, amino acid conservation, physicochemical variation, residue mobility, and thermodynamic stability) indicates that this missense variant is not expected to disrupt BRCA2 protein function with a negative predictive value of 95%. Experimental studies have shown that this missense change affects BRCA2 function (PMID: 37713444). This variant disrupts the p.Asp2723 amino acid residue in BRCA2. Other variant(s) that disrupt this residue have been determined to be pathogenic (PMID: 11207042, 15290653, 16489001, 23961350, 24728189, 25452441). This suggests that this residue is clinically significant, and that variants that disrupt this residue are likely to be disease-causing. In summary, the currently available evidence indicates that the variant is pathogenic, but additional data are needed to prove that conclusively. Therefore, this variant has been classified as Likely Pathogenic.

Quest Diagnostics Nichols Institute San Juan Capistrano
Classification: Pathogenic. Last evaluated: 2025-09-08. Review status: criteria provided, single submitter. Criteria: Quest Diagnostics criteria. Collection method: clinical testing. Allele origin: unknown.
Comment: The BRCA2 c.8169T>A (p.Asp2723Glu) variant has been reported in the published literature in an individual with prostate cancer (PMID: 31948886 (2020)), and in a large scale breast cancer association study, this variant has been observed in a breast cancer case and a reportedly unaffected individual (PMID: 33471991 (2021), see also LOVD). Functional studies demonstrated that this variant had a damaging effect on protein function (PMID: 32444794 (2020), 39779848 (2025), 39779857 (2025)). Other variants at the same codon have been classified internally as pathogenic (p.Asp2723Gly, p.Asp2723Val, p.Asp2723His, p.Asp2723Asn). The frequency of this variant in the general population (Genome Aggregation Database) is consistent with pathogenicity. Analysis of this variant using bioinformatics tools for the prediction of the effect of amino acid changes on protein structure and function yielded predictions that this variant is damaging. Based on the available information, this variant is classified as pathogenic.

Ambry Genetics
Classification: Likely pathogenic for Hereditary cancer-predisposing syndrome. Last evaluated: 2025-07-18. Review status: criteria provided, single submitter. Criteria: Ambry Variant Classification Scheme 2023. Collection method: clinical testing. Allele origin: germline.
Comment: The p.D2723E variant (also known as c.8169T>A), located in coding exon 17 of the BRCA2 gene, results from a T to A substitution at nucleotide position 8169. The aspartic acid at codon 2723 is replaced by glutamic acid, an amino acid with highly similar properties. Other variants at the same codon, p.D2723G (c.8168A>G) and p.D2723H (c.8167G>C), have been reported as functionally deleterious across multiple functional assays (Easton D et al. Am J Hum Genet. 2007;81:873-883; Farrugia DJ et al. Cancer Res. 2008 May; 68(9):3523-31; Vallee M et al. Hum Mutat. 2012 Jan;33(1):22-8; Guidugli L et al. Cancer Res. 2013 Jan 1;73(1):265-75). The results from two saturation genome editing-based studies, including a haploid cell-survival assay and a humanized mouse embryonic stem cell line assay of drug response and survival, are discordant for this nucleotide substitution (Huang H et al. Nature. 2025 Feb;638(8050):528-537; Sahu S et al. Nature. 2025 Feb;638(8050):538-545). In addition, an assay of homology-directed repair found this variant to have an intermediate functional impact (personal communication). Another high-throughput assay assessing sensitivity to PARP inhibitors reported this variant to be functionally deleterious (Ikegami M et al. Nat Commun. 2020 May;11(1):2573). The p.D2723E variant occurs in a structural hotspot region of the protein and is predicted to destabilize the protein and disrupt the native protein-protein (BRCA2-DSS1) interaction (Yang et al. Science. 2002; 297(5588):1837-48; Ambry internal data). This amino acid position is highly conserved in available vertebrate species. In addition, this alteration is predicted to be deleterious by in silico analysis. One ClinVar entry cites this variant in a patient with Fanconi anemia, however no published details were found, and the phase was noted to be unconfirmed. Based on the majority of available evidence to date, this variant is likely to be pathogenic. However, because this variant was reported as having an intermediate or inconclusive impact in several functional studies, and may have been identified in one or more patients with Fanconi Anemia, it may be hypomorphic and thus, carriers of this variant and their families may present with reduced risks, and not with the typical clinical characteristics of a high-risk pathogenic BRCA2 alteration. As risk estimates are unknown at this time, clinical correlation is advised.

GeneKor MSA
Classification: Likely pathogenic for Hereditary breast ovarian cancer syndrome. Last evaluated: 2025-06-23. Review status: criteria provided, single submitter. Criteria: ACMG Guidelines, 2015. Collection method: clinical testing. Allele origin: germline. Affected: yes.
Comment: This sequence change replaces aspartic acid with glutamic acid at codon 2723 of the BRCA2 protein p.(Asp2723Glu). This missense variant has been observed in individual(s) with prostate cancer (PMID:31948886). Experimental studies have shown that this missense variant affects BRCA2 function (PMID:20215541, 27886673, 20513136).This variant is not present in population databases (rs1060502432).The mutation database ClinVar contains entries for this variant (VCV000409493.23). Other variant(s) that disrupt this residue have been determined to be pathogenic (PMID:15290653, 15695382, 16489001, 18607349, 24013206).Based on the classification criteria set by the ACMG and AMP (PMID:25741868) this variant has been classified as likely pathogenic.

German Consortium for Hereditary Breast and Ovarian Cancer, University Hospital Cologne
Classification: Likely pathogenic for Hereditary breast ovarian cancer syndrome. Last evaluated: 2024-12-10. Review status: criteria provided, single submitter. Criteria: ClinGen BRCA2 V1.1.0. Collection method: curation. Allele origin: germline.
Comment: According to the ClinGen ENIGMA BRCA2 v1.1.0 criteria we chose these criteria: PS3 (strong pathogenic): PS3_Strong , PM3 (supporting pathogenic): Found in FA-Patient in Würzburg (phase unknown) , PP3 (supporting pathogenic): BayesDel noAF: 0.4221

Women's Health and Genetics/Laboratory Corporation of America, LabCorp
Classification: Likely pathogenic for Hereditary breast ovarian cancer syndrome. Last evaluated: 2024-04-04. Review status: criteria provided, single submitter. Criteria: LabCorp Variant Classification Summary - May 2015. Collection method: clinical testing. Allele origin: germline.
Comment: Variant summary: BRCA2 c.8169T>A (p.Asp2723Glu) results in a conservative amino acid change located in the BRCA2, OB1 domain of the encoded protein sequence. Four of five in-silico tools predict a damaging effect of the variant on protein function. The variant allele was found at a frequency of 4e-06 in 251114 control chromosomes. c.8169T>A has been reported in the literature in an individual affected with prostate cancer. Functional evidence reports the variant to be non-functional (Sahu_2023, Ikegami_2020). Other variants at the same codon have been classiifed as pathogenic by our lab (p.Asp2723His, p.Asp2723Gly). The following publications have been ascertained in the context of this evaluation (PMID: 32444794, 37713444, 31948886). ClinVar contains an entry for this variant (Variation ID: 409493). Based on the evidence outlined above, the variant was classified as likely pathogenic.

Baylor Genetics
Classification: Likely pathogenic for Familial cancer of breast. Last evaluated: 2022-12-09. Review status: criteria provided, single submitter. Criteria: ACMG Guidelines, 2015. Collection method: clinical testing. Allele origin: unknown.